The following is an entry in ClinVar:

NM_004341.5(CAD):c.281C>T (p.Thr94Ile)

Gene: CAD (carbamoyl-phosphate synthetase 2, aspartate transcarbamylase, and dihydroorotase; plus strand). Cytogenetic location: 2p23.3.
Variant type: single nucleotide variant.
Coding change: c.281C>T on transcript NM_004341.5 (MANE Select); coding-DNA position 281, C replaced by T.
Protein change: p.Thr94Ile; replaces threonine 94 with isoleucine.
Molecular consequence: missense variant.
Genome position (GRCh38, 1-based): chr2:27,221,276, C>T. VCF-style: chr2-27221276-C-T. GRCh37 (hg19) VCF-style: chr2-27444144-C-T.
Other names: c.281C>T, p.Thr94Ile (NM_001306079.2); short protein forms T94I.
Identifiers: ClinVar variation 2097101 (VCV002097101.1), dbSNP rs779802623, ClinGen allele CA1572370.

ClinVar aggregate classification (germline): Uncertain significance (1 of 4 stars; one submission).

Allele frequency attached by ClinVar (database versions not stated): gnomAD exomes below 0.00001; ExAC 0.00001; gnomAD 0.00001; TOPMed 0.00001.
gnomAD v4.1: 4 of 1,593,154 alleles (0.00025%); highest among the groups gnomAD compares: Non-Finnish European, 0.00026%; no homozygotes.

Submission:

Labcorp Genetics (formerly Invitae), Labcorp
Classification: Uncertain significance. Last evaluated: 2022-09-07. Review status: criteria provided, single submitter. Criteria: Invitae Variant Classification Sherloc (09022015). Collection method: clinical testing. Allele origin: germline.
Comment: This sequence change replaces threonine, which is neutral and polar, with isoleucine, which is neutral and non-polar, at codon 94 of the CAD protein (p.Thr94Ile). This variant is present in population databases (rs779802623, gnomAD 0.002%). This variant has not been reported in the literature in individuals affected with CAD-related conditions. Algorithms developed to predict the effect of missense changes on protein structure and function (SIFT, PolyPhen-2, Align-GVGD) all suggest that this variant is likely to be tolerated. In summary, the available evidence is currently insufficient to determine the role of this variant in disease. Therefore, it has been classified as a Variant of Uncertain Significance.